The following is an entry in ClinVar:

NM_017849.4(TMEM127):c.292G>A (p.Ala98Thr)

Gene: TMEM127 (transmembrane protein 127; minus strand). Cytogenetic location: 2q11.2.
Variant type: single nucleotide variant.
Coding change: c.292G>A on transcript NM_017849.4 (MANE Select); coding-DNA position 292, G replaced by A.
Protein change: p.Ala98Thr; replaces alanine 98 with threonine.
Molecular consequence: missense variant.
Genome position (GRCh38, 1-based): chr2:96,254,950, C>T on the plus strand (G>A on the coding strand, the complement: TMEM127 is on the minus strand). VCF-style: chr2-96254950-C-T. GRCh37 (hg19) VCF-style: chr2-96920688-C-T.
Other names: p.Ala98Thr; c.292G>A, p.Ala98Thr (NM_001193304.3); short protein forms A98T.
Identifiers: ClinVar variation 241222 (VCV000241222.31), dbSNP rs369144563, ClinGen allele CA1777354.

ClinVar aggregate classification (germline): Conflicting classifications of pathogenicity. Review status: criteria provided, conflicting classifications (1 of 4 stars). 12 submissions from 12 submitters: Uncertain significance (7); Likely benign (5). Last evaluated 2026-07-28.

Conditions:
TMEM127-related disorder. Also called: TMEM127-related condition.
Hereditary cancer-predisposing syndrome. Also called: Hereditary Cancer Syndrome; Tumor predisposition; Hereditary neoplastic syndrome; Neoplastic Syndromes, Hereditary. Identifiers: Orphanet 140162, MedGen C0027672, MeSH D009386, MONDO:0015356.
Hereditary pheochromocytoma and paraganglioma. Also called: Hereditary pheochromocytoma-paraganglioma; Hereditary Paraganglioma-Pheochromocytoma Syndromes; Hereditary paragangliomas and pheochromocytomas. Identifiers: Orphanet 29072, MedGen C4274332, MONDO:0017366.
Pheochromocytoma. Also called: MAX-Related Hereditary Paraganglioma-Pheochromocytoma Syndrome. Identifiers: Orphanet 29072, MedGen C0031511, MONDO:0008233, OMIM 171300, HP:0002666.

Allele frequency attached by ClinVar (database versions not stated): ExAC 0.00005; ESP Exome Variant Server 0.00008; TOPMed 0.00018.

Submissions (12):

Myriad Genetics, Inc.
Classification: Likely benign for Hereditary pheochromocytoma and paraganglioma. Last evaluated: 2026-07-28. Review status: criteria provided, single submitter. Criteria: Myriad Autosomal Dominant, Autosomal Recessive and X-Linked Classification Criteria (2023). Collection method: clinical testing. Allele origin: unknown.
Comment: This variant is considered likely benign. This variant has been observed at a population frequency that is significantly greater than expected given the associated disease prevalence and penetrance.

PreventionGenetics, part of Exact Sciences
Classification: Uncertain significance for TMEM127-related condition. Last evaluated: 2026-02-24. Review status: criteria provided, single submitter. Criteria: ACMG Guidelines, 2015. Collection method: clinical testing. Allele origin: germline.
Comment: The TMEM127 c.292G>A variant is predicted to result in the amino acid substitution p.Ala98Thr. This variant has been reported in an individual with head and neck paraganglioma (Armaiz-Pena et al. 2021. PubMed ID: 33051659). This variant is reported in 0.0088% of alleles in individuals of European (Non-Finnish) descent in gnomAD, and has conflicting interpretations in ClinVar ranging from uncertain to likely benign (Variation ID: 241222). At this time, the clinical significance of this variant is uncertain due to the absence of conclusive functional and genetic evidence.

Labcorp Genetics (formerly Invitae), Labcorp
Classification: Likely benign for Hereditary pheochromocytoma and paraganglioma. Last evaluated: 2026-02-04. Review status: criteria provided, single submitter. Criteria: Invitae Variant Classification Sherloc (09022015). Collection method: clinical testing. Allele origin: germline.

Mayo Clinic Laboratories, Mayo Clinic
Classification: Uncertain significance. Last evaluated: 2025-09-18. Review status: criteria provided, single submitter. Criteria: ACMG Guidelines, 2015. Collection method: clinical testing. Allele origin: germline. Observed: 1 variant allele.

Quest Diagnostics Nichols Institute San Juan Capistrano
Classification: Uncertain significance. Last evaluated: 2025-01-30. Review status: criteria provided, single submitter. Criteria: Quest Diagnostics criteria. Collection method: clinical testing. Allele origin: unknown.

Blueprint Genetics
Classification: Uncertain significance. Last evaluated: 2024-10-31. Review status: criteria provided, single submitter. Criteria: ACMG Guidelines, 2015. Collection method: clinical testing. Allele origin: germline.

Women's Health and Genetics/Laboratory Corporation of America, LabCorp
Classification: Likely benign. Last evaluated: 2024-07-01. Review status: criteria provided, single submitter. Criteria: LabCorp Variant Classification Summary - May 2015. Collection method: clinical testing. Allele origin: germline.
Comment: Variant summary: TMEM127 c.292G>A (p.Ala98Thr) results in a non-conservative amino acid change located in the Transmembrane protein 127, transmembrane region (IPR046795) of the encoded protein sequence. Three of five in-silico tools predict a benign effect of the variant on protein function. The variant allele was found at a frequency of 6.8e-05 in 251384 control chromosomes (gnomAD). The observed variant frequency is approximately 216 fold of the estimated maximal expected allele frequency for a pathogenic variant in TMEM127 causing Hereditary Paraganglioma-Pheochromocytoma Syndrome phenotype (3.1e-07). c.292G>A has been reported in the literature in individuals affected with head and neck paraganglioma (Armaiz-Pena_2021). This report does not provide unequivocal conclusions about association of the variant with Hereditary Paraganglioma-Pheochromocytoma Syndrome. To our knowledge, no experimental evidence demonstrating an impact on protein function has been reported. The following publication has been ascertained in the context of this evaluation (PMID: 33051659). ClinVar contains an entry for this variant (Variation ID: 241222). Based on the evidence outlined above, the variant was classified as likely benign.

GeneDx
Classification: Uncertain significance. Last evaluated: 2024-02-28. Review status: criteria provided, single submitter. Criteria: GeneDx Variant Classification Process June 2021. Collection method: clinical testing. Allele origin: germline. Affected: yes.
Comment: In silico analysis supports that this missense variant does not alter protein structure/function; Observed in an individual with head and neck paraganglioma (PMID: 33051659); This variant is associated with the following publications: (PMID: 21156949, 33051659)

St. Jude Molecular Pathology, St. Jude Children's Research Hospital
Classification: Uncertain significance for Hereditary pheochromocytoma and paraganglioma. Last evaluated: 2021-09-09. Review status: criteria provided, single submitter. Criteria: St. Jude Assertion Criteria 2020. Collection method: clinical testing. Allele origin: germline.
Comment: The TMEM127 c.292G>A (p.Ala98Thr) missense change has a maximum subpopulation frequency of 0.0088% in gnomAD v2.1.1. Five of seven in silico tools predict a benign effect of this variant on protein function (BP4), but to our knowledge these predictions have not been confirmed by functional assays. The tumor sample of this individual did not demonstrate loss of heterozygosity suggesting an uncertain role this variant in tumorigenesis. In summary, this variant meets criteria to be classified as of uncertain significance based on the ACMG/AMP criteria: BP4.

Sema4
Classification: Uncertain significance for Hereditary cancer-predisposing syndrome. Last evaluated: 2021-05-30. Review status: criteria provided, single submitter. Criteria: Sema4 Curation Guidelines. Collection method: curation. Allele origin: germline.
Comment: The TMEM127 c.292G>A (p.A98T) variant has been reported in heterozygosity in at least one individual with head and neck paraganglioma (PMID: 33051659). This variant was observed in 10/113674 chromosomes in the European (non-Finnish) subpopulation, with no homozygotes, according to the Genome Aggregation Database (PMID: 32461654). This variant has been reported in ClinVar (Variation ID: 241222). In silico tools suggest the impact of the variant on protein function is inconclusive, though these predictions have not been confirmed by functional studies. Based on the current evidence available, this variant is interpreted as a variant of uncertain significance.

Ambry Genetics
Classification: Likely benign for Hereditary cancer-predisposing syndrome. Last evaluated: 2019-04-03. Review status: criteria provided, single submitter. Criteria: Ambry Variant Classification Scheme 2023. Collection method: clinical testing. Allele origin: germline.

Illumina Laboratory Services, Illumina
Classification: Likely benign for Pheochromocytoma. Last evaluated: 2018-01-13. Review status: criteria provided, single submitter. Criteria: ICSL Variant Classification Criteria 13 December 2019. Collection method: clinical testing. Allele origin: germline.
Comment: This variant was observed in the ICSL laboratory as part of a predisposition screen in an ostensibly healthy population. It had not been previously curated by ICSL or reported in the Human Gene Mutation Database (HGMD: prior to June 1st, 2018), and was therefore a candidate for classification through an automated scoring system. Utilizing variant allele frequency, disease prevalence and penetrance estimates, and inheritance mode, an automated score was calculated to assess if this variant is too frequent to cause the disease. Based on the score and internal cut-off values, a variant classified as likely benign is not then subjected to further curation. The score for this variant resulted in a classification of likely benign for this disease.

Literature cited by the submitters: PubMed 33051659 (cited by 4 submitters).